The following is an entry in ClinVar:

ClinVar aggregate classification (germline): Uncertain significance. Review status: criteria provided, multiple submitters, no conflicts (2 of 4 stars). 2 submissions from 2 submitters: Uncertain significance (2). Last evaluated 2025-10-26.

Conditions:
Tumor predisposition syndrome 3 (TPDS3). Also called: Glioma susceptibility 9; LONG TELOMERE SYNDROME, POT1-RELATED; POT1 Tumor Predisposition; Melanoma, cutaneous malignant, susceptibility to, 10. Identifiers: Orphanet 618, MedGen C4014476, MONDO:0014368, OMIM 615848.
Hereditary cancer-predisposing syndrome. Also called: Hereditary neoplastic syndrome; Hereditary Cancer Syndrome; Neoplastic Syndromes, Hereditary; Tumor predisposition. Identifiers: Orphanet 140162, MedGen C0027672, MeSH D009386, MONDO:0015356.

Allele frequency attached by ClinVar (database versions not stated): TOPMed below 0.00001; gnomAD exomes 0.00001.

Submissions (2):

Ambry Genetics
Classification: Uncertain significance for Hereditary cancer-predisposing syndrome. Last evaluated: 2025-10-26. Review status: criteria provided, single submitter. Criteria: Ambry Variant Classification Scheme 2023. Collection method: clinical testing. Allele origin: germline.
Comment: The p.E344K variant (also known as c.1030G>A), located in coding exon 9 of the POT1 gene, results from a G to A substitution at nucleotide position 1030. The glutamic acid at codon 344 is replaced by lysine, an amino acid with similar properties. This amino acid position is not well conserved in available vertebrate species. In addition, this alteration is predicted to be tolerated by in silico analysis. Since supporting evidence is limited at this time, the clinical significance of this alteration remains unclear.

Labcorp Genetics (formerly Invitae), Labcorp
Classification: Uncertain significance for Tumor predisposition syndrome 3. Last evaluated: 2025-10-07. Review status: criteria provided, single submitter. Criteria: Invitae Variant Classification Sherloc (09022015). Collection method: clinical testing. Allele origin: germline.
Comment: This sequence change replaces glutamic acid, which is acidic and polar, with lysine, which is basic and polar, at codon 344 of the POT1 protein (p.Glu344Lys). This variant is not present in population databases (gnomAD no frequency). This variant has not been reported in the literature in individuals affected with POT1-related conditions. ClinVar contains an entry for this variant (Variation ID: 486149). Invitae Evidence Modeling of protein sequence and biophysical properties (such as structural, functional, and spatial information, amino acid conservation, physicochemical variation, residue mobility, and thermodynamic stability) indicates that this missense variant is not expected to disrupt POT1 protein function with a negative predictive value of 80%. In summary, the available evidence is currently insufficient to determine the role of this variant in disease. Therefore, it has been classified as a Variant of Uncertain Significance.

NM_015450.3(POT1):c.1030G>A (p.Glu344Lys)

Gene: POT1 (protection of telomeres 1; minus strand). Cytogenetic location: 7q31.33.
Variant type: single nucleotide variant.
Coding change: c.1030G>A on transcript NM_015450.3 (MANE Select); coding-DNA position 1030, G replaced by A.
Protein change: p.Glu344Lys; replaces glutamic acid 344 with lysine.
Molecular consequence: missense variant. On other transcripts: non-coding transcript variant (3).
Genome position (GRCh38, 1-based): chr7:124,842,940, C>T on the plus strand (G>A on the coding strand, the complement: POT1 is on the minus strand). VCF-style: chr7-124842940-C-T. GRCh37 (hg19) VCF-style: chr7-124482994-C-T.
Other names: c.637G>A, p.Glu213Lys (NM_001042594.2); short protein forms E344K, E213K.
Identifiers: ClinVar variation 486149 (VCV000486149.15), dbSNP rs951589289, ClinGen allele CA166105725.